The following is an entry in ClinVar:

NM_001077365.2(POMT1):c.1235dup (p.Tyr412Ter)

Gene: POMT1 (protein O-mannosyltransferase 1; plus strand). Cytogenetic location: 9q34.13.
Variant type: Duplication.
Coding change: c.1235dup on transcript NM_001077365.2 (MANE Select); coding-DNA position 1235, one base duplicated (A; older notation c.1235dupA).
Protein change: p.Tyr412Ter; replaces tyrosine 412 with a stop codon.
Molecular consequence: nonsense. On other transcripts: non-coding transcript variant (10).
Genome position (GRCh38, 1-based): chr9:131,515,485, A duplicated. VCF-style (leftmost placement, unchanged base first): chr9-131515484-T-TA. GRCh37 (hg19) VCF-style: chr9-134390871-T-TA.
Other names: c.1073dup, p.Tyr358Ter (NM_001077366.2, NM_001353194.2); c.1235dup, p.Tyr412Ter (NM_001136113.2, NM_001374690.1); c.884dup, p.Tyr295Ter (NM_001136114.2, NM_001374693.1, NM_001353195.2 and 2 more transcripts); c.1301dup, p.Tyr434Ter (NM_001353193.2, NM_007171.4); c.845dup, p.Tyr282Ter (NM_001374695.1); c.104dup, p.Tyr35Ter (NM_001411024.1); c.1145dup, p.Tyr382Ter (NM_001353196.2); c.1139dup, p.Tyr380Ter (NM_001353197.2, NM_001353198.2); and 3 more; short protein forms Y317*, Y35*, Y382*, Y408*, Y260*, Y380*, Y358*, Y412*.
Identifiers: ClinVar variation 2934090 (VCV002934090.3), dbSNP rs1948107534, ClinGen allele CA1881756706.

ClinVar aggregate classification (germline): Pathogenic (1 of 4 stars; one submission).

Conditions:
Walker-Warburg congenital muscular dystrophy. Also called: Muscular dystrophy-dystroglycanopathy, type A; Walker-Warburg syndrome. Identifiers: Orphanet 899, MedGen C0265221, MONDO:0000171.
Muscular dystrophy-dystroglycanopathy (congenital with impaired intellectual development), type B, 1. Also called: MUSCULAR DYSTROPHY, CONGENITAL, POMT1-RELATED; Muscular dystrophy-dystroglycanopathy (congenital with intellectual disability), type B1. Identifiers: MedGen C5436962, MONDO:0013159, OMIM 613155.
Autosomal recessive limb-girdle muscular dystrophy type 2K. Also called: MUSCULAR DYSTROPHY-DYSTROGLYCANOPATHY (LIMB-GIRDLE), TYPE C, 1; MUSCULAR DYSTROPHY, LIMB-GIRDLE, TYPE 2K. Identifiers: Orphanet 86812, MedGen C1836373, MONDO:0012248, OMIM 609308.

Allele frequency attached by ClinVar (database versions not stated): gnomAD exomes below 0.00001; TOPMed below 0.00001.

Submission:

Labcorp Genetics (formerly Invitae), Labcorp
Classification: Pathogenic for Muscular dystrophy-dystroglycanopathy (congenital with impaired intellectual development), type B, 1; Walker-Warburg congenital muscular dystrophy; Autosomal recessive limb-girdle muscular dystrophy type 2K. Last evaluated: 2023-04-17. Review status: criteria provided, single submitter. Criteria: Invitae Variant Classification Sherloc (09022015). Collection method: clinical testing. Allele origin: germline.
Comment: For these reasons, this variant has been classified as Pathogenic. Algorithms developed to predict the effect of sequence changes on RNA splicing suggest that this variant may disrupt the consensus splice site. This variant has not been reported in the literature in individuals affected with POMT1-related conditions. This variant is not present in population databases (gnomAD no frequency). This sequence change creates a premature translational stop signal (p.Tyr434*) in the POMT1 gene. It is expected to result in an absent or disrupted protein product. Loss-of-function variants in POMT1 are known to be pathogenic (PMID: 12369018, 15637732, 16575835).

Literature cited by the submitters: PubMed 12369018; PubMed 15637732; PubMed 16575835.